The following is an entry in ClinVar:

NM_001042424.3(NSD2):c.524A>G (p.Tyr175Cys)

Gene: NSD2 (nuclear receptor binding SET domain protein 2; plus strand). Cytogenetic location: 4p16.3.
Variant type: single nucleotide variant.
Coding change: c.524A>G on transcript NM_001042424.3 (MANE Select); coding-DNA position 524, A replaced by G.
Protein change: p.Tyr175Cys; replaces tyrosine 175 with cysteine.
Molecular consequence: missense variant.
Genome position (GRCh38, 1-based): chr4:1,901,178, A>G. VCF-style: chr4-1901178-A-G. GRCh37 (hg19) VCF-style: chr4-1902905-A-G.
Other names: c.524A>G, p.Tyr175Cys (NM_007331.2, NM_133330.3, NM_133331.3 and 2 more transcripts); short protein forms Y175C.
Identifiers: ClinVar variation 3372062 (VCV003372062.1).

ClinVar aggregate classification (germline): Uncertain significance (1 of 4 stars; one submission).

gnomAD v4.1: 6 of 1,613,384 alleles (0.00037%); highest among the groups gnomAD compares: African/African-American, 0.004%; no homozygotes.

Submission:

GeneDx
Classification: Uncertain significance. Last evaluated: 2024-04-03. Review status: criteria provided, single submitter. Criteria: GeneDx Variant Classification Process June 2021. Collection method: clinical testing. Allele origin: germline. Affected: yes.
Comment: Not observed at significant frequency in large population cohorts (gnomAD); In silico analysis supports that this missense variant has a deleterious effect on protein structure/function; Has not been previously published as pathogenic or benign to our knowledge